The following is an entry in ClinVar:

NM_000238.4(KCNH2):c.2768del (p.Pro923fs)

Gene: KCNH2 (potassium voltage-gated channel subfamily H member 2; minus strand). Cytogenetic location: 7q36.1.
Variant type: Deletion.
Coding change: c.2768del on transcript NM_000238.4 (MANE Select); coding-DNA position 2768, one base deleted (C; older notation c.2768delC).
Protein change: p.Pro923fs; shifts the reading frame from proline 923.
Molecular consequence: frameshift variant.
Genome position (GRCh38, 1-based): chr7:150,947,803, G deleted on the plus strand (C on the coding strand, the reverse complement: KCNH2 is on the minus strand); the first of 2 consecutive G bases (chr7:150,947,803-150,947,804); deleting either gives the same sequence. VCF-style (leftmost placement, unchanged base first): chr7-150947802-CG-C. GRCh37 (hg19) VCF-style: chr7-150644890-CG-C.
Other names: c.2480del, p.Pro827fs (NM_001406753.1); c.1748del, p.Pro583fs (NM_172057.3); short protein forms P583fs, P923fs, P827fs.
Identifiers: ClinVar variation 200670 (VCV000200670.4), dbSNP rs794728454, ClinGen allele CA007354.

ClinVar aggregate classification (germline): Pathogenic (1 of 4 stars; one submission).

Submission:

GeneDx
Classification: Pathogenic. Last evaluated: 2013-02-25. Review status: criteria provided, single submitter. Criteria: GeneDx Variant Classification (06012015). Collection method: clinical testing. Allele origin: germline. Affected: yes.
Comment: The c.2768delC mutation in the KCNH2 gene has been reported in one individual with congenital LQTS and was absent from 100 control chromosomes in this study (Lai LP et al., 2005). In addition, functional studies showed reduced KCNH2 current when compared to the wild-type KCNH2 channel (Hsueh CH et al., 2008). This mutation causes a shift in reading frame starting at codon Proline 923, changing it to an Arginine, and creating a premature stop codon at position 51 of the new reading frame, denoted p.Pro923ArgfsX51. This mutation is expected to result in either an abnormal, truncated protein product or loss of protein from this allele through nonsense-mediated mRNA decay. Numerous other frameshift mutations in the KCNH2 gene have been reported in association with LQTS.